The following is an entry in ClinVar:

ClinVar aggregate classification (germline): Uncertain significance (1 of 4 stars; one submission).

gnomAD v4.1: 57 of 1,551,848 alleles (0.0037%); highest among the groups gnomAD compares: African/African-American, 0.0055%; 1 homozygote.

Submission:

Labcorp Genetics (formerly Invitae), Labcorp
Classification: Uncertain significance. Last evaluated: 2024-05-01. Review status: criteria provided, single submitter. Criteria: Invitae Variant Classification Sherloc (09022015). Collection method: clinical testing. Allele origin: germline.
Comment: This sequence change replaces arginine, which is basic and polar, with histidine, which is basic and polar, at codon 387 of the DTHD1 protein (p.Arg387His). This variant is present in population databases (rs369210518, gnomAD 0.01%). This variant has not been reported in the literature in individuals affected with DTHD1-related conditions. Algorithms developed to predict the effect of missense changes on protein structure and function output the following: SIFT: "Not Available"; PolyPhen-2: "Benign"; Align-GVGD: "Not Available". The histidine amino acid residue is found in multiple mammalian species, which suggests that this missense change does not adversely affect protein function. In summary, the available evidence is currently insufficient to determine the role of this variant in disease. Therefore, it has been classified as a Variant of Uncertain Significance.

NM_001170700.3(DTHD1):c.2030G>A (p.Arg677His)

Gene: DTHD1 (death domain containing 1; plus strand). Cytogenetic location: 4p14.
Variant type: single nucleotide variant.
Coding change: c.2030G>A on transcript NM_001170700.3 (MANE Select); coding-DNA position 2030, G replaced by A.
Protein change: p.Arg677His; replaces arginine 677 with histidine.
Molecular consequence: missense variant. On other transcripts: non-coding transcript variant (2).
Genome position (GRCh38, 1-based): chr4:36,308,428, G>A. VCF-style: chr4-36308428-G-A. GRCh37 (hg19) VCF-style: chr4-36310050-G-A.
Other names: c.1160G>A, p.Arg387His (NM_001136536.5); c.1097G>A, p.Arg366His (NM_001378435.1); short protein forms R387H, R677H, R366H.
Identifiers: ClinVar variation 3665605 (VCV003665605.2).